The following is an entry in ClinVar:

ClinVar aggregate classification (germline): Uncertain significance (1 of 4 stars; one submission).

Conditions:
KMT2A-related disorder. Also called: KMT2A-related condition.

Submission:

PreventionGenetics, part of Exact Sciences
Classification: Uncertain significance for KMT2A-related condition. Last evaluated: 2022-12-14. Review status: criteria provided, single submitter. Criteria: ACMG Guidelines, 2015. Collection method: clinical testing. Allele origin: germline.
Comment: The KMT2A c.3158G>T variant is predicted to result in the amino acid substitution p.Gly1053Val. To our knowledge, this variant has not been reported in the literature or in a large population database, indicating this variant is rare. At this time, the clinical significance of this variant is uncertain due to the absence of conclusive functional and genetic evidence.

NM_001197104.2(KMT2A):c.3158G>T (p.Gly1053Val)

Gene: KMT2A (lysine methyltransferase 2A; plus strand). Cytogenetic location: 11q23.3.
Variant type: single nucleotide variant.
Coding change: c.3158G>T on transcript NM_001197104.2 (MANE Select); coding-DNA position 3158, G replaced by T.
Protein change: p.Gly1053Val; replaces glycine 1053 with valine.
Molecular consequence: missense variant.
Genome position (GRCh38, 1-based): chr11:118,476,806, G>T. VCF-style: chr11-118476806-G-T. GRCh37 (hg19) VCF-style: chr11-118347521-G-T.
Other names: c.3257G>T, p.Gly1086Val (NM_001412597.1); c.3158G>T, p.Gly1053Val (NM_005933.4); short protein forms G1053V, G1086V.
Identifiers: ClinVar variation 2629691 (VCV002629691.1), dbSNP rs2496833050, ClinGen allele CA382823517.